The following is an entry in ClinVar:

ClinVar aggregate classification (germline): Uncertain significance. Review status: criteria provided, multiple submitters, no conflicts (2 of 4 stars). 3 submissions from 3 submitters: Uncertain significance (3). Last evaluated 2026-01-27.

Allele frequency attached by ClinVar (database versions not stated): gnomAD exomes below 0.00001.
gnomAD v4.1: 1 of 1,611,062 alleles (0.000062%); highest among the groups gnomAD compares: African/African-American, 0.0013%; no homozygotes.

Submissions (3):

GeneDx
Classification: Uncertain significance. Last evaluated: 2026-01-27. Review status: criteria provided, single submitter. Criteria: GeneDx Variant Classification Process June 2021. Collection method: clinical testing. Allele origin: germline.
Comment: Not observed at significant frequency in large population cohorts (gnomAD); In silico analysis supports that this missense variant has a deleterious effect on protein structure/function; Has not been previously published as pathogenic or benign to our knowledge

Labcorp Genetics (formerly Invitae), Labcorp
Classification: Uncertain significance. Last evaluated: 2025-10-17. Review status: criteria provided, single submitter. Criteria: Invitae Variant Classification Sherloc (09022015). Collection method: clinical testing. Allele origin: germline.
Comment: This sequence change replaces isoleucine, which is neutral and non-polar, with threonine, which is neutral and polar, at codon 900 of the ABCB4 protein (p.Ile900Thr). This variant is not present in population databases (gnomAD no frequency). This variant has not been reported in the literature in individuals affected with ABCB4-related conditions. ClinVar contains an entry for this variant (Variation ID: 598260). Invitae Evidence Modeling of protein sequence and biophysical properties (such as structural, functional, and spatial information, amino acid conservation, physicochemical variation, residue mobility, and thermodynamic stability) indicates that this missense variant is not expected to disrupt ABCB4 protein function with a negative predictive value of 80%. In summary, the available evidence is currently insufficient to determine the role of this variant in disease. Therefore, it has been classified as a Variant of Uncertain Significance.

Eurofins Ntd Llc (ga)
Classification: Uncertain significance. Last evaluated: 2018-08-03. Review status: criteria provided, single submitter. Criteria: EGL ClinVar v180209 classification definitions. Collection method: clinical testing. Allele origin: germline. Observed: 1 variant allele, 1 heterozygote.

NM_000443.4(ABCB4):c.2699T>C (p.Ile900Thr)

Gene: ABCB4 (ATP binding cassette subfamily B member 4; minus strand). Cytogenetic location: 7q21.12.
Variant type: single nucleotide variant.
Coding change: c.2699T>C on transcript NM_000443.4 (MANE Select); coding-DNA position 2699, T replaced by C.
Protein change: p.Ile900Thr; replaces isoleucine 900 with threonine.
Molecular consequence: missense variant.
Genome position (GRCh38, 1-based): chr7:87,413,701, A>G on the plus strand (T>C on the coding strand, the complement: ABCB4 is on the minus strand). VCF-style: chr7-87413701-A-G. GRCh37 (hg19) VCF-style: chr7-87043017-A-G.
Other names: c.2699T>C (NM_000443.3); c.2699T>C, p.Ile900Thr (NM_018849.3, NM_018850.3); short protein forms I900T.
Identifiers: ClinVar variation 598260 (VCV000598260.8), dbSNP rs1562955080, ClinGen allele CA368060962.
Genomic context (GRCh38, chr7:87,413,701, plus strand): 5'-ACATACATTGATTCAAATTTTCTTTCCTGGGTCAAAGACACAACTGTCCTAATATTTTCT[A>G]TTGCCTCTGTTGCAATCTGTAACACAGAATAGACCTTCATTAGAAGTGGTGTTTTCACTT-3'
Protein context (NP_000434.1, residues 890-910): EAAGKIATEA[Ile900Thr]ENIRTVVSLT